The following is an entry in ClinVar:

NM_000540.3(RYR1):c.9769G>C (p.Ala3257Pro)

Gene: RYR1 (ryanodine receptor 1; plus strand). Cytogenetic location: 19q13.2.
Variant type: single nucleotide variant.
Coding change: c.9769G>C on transcript NM_000540.3 (MANE Select); coding-DNA position 9769, G replaced by C.
Protein change: p.Ala3257Pro; replaces alanine 3257 with proline.
Molecular consequence: missense variant.
Genome position (GRCh38, 1-based): chr19:38,517,442, G>C. VCF-style: chr19-38517442-G-C. GRCh37 (hg19) VCF-style: chr19-39008082-G-C.
Other names: c.9769G>C, p.Ala3257Pro (NM_001042723.2); short protein forms A3257P.
Identifiers: ClinVar variation 2124127 (VCV002124127.4), dbSNP rs2514432885, ClinGen allele CA405691927.

ClinVar aggregate classification (germline): Uncertain significance (1 of 4 stars; one submission).

Conditions:
RYR1-related disorder. Also called: RYR1-related condition; RYR1-related disorders. Identifiers: MedGen CN239331.

Submission:

Labcorp Genetics (formerly Invitae), Labcorp
Classification: Uncertain significance for RYR1-related disorder. Last evaluated: 2022-07-15. Review status: criteria provided, single submitter. Criteria: Invitae Variant Classification Sherloc (09022015). Collection method: clinical testing. Allele origin: germline.
Comment: This sequence change replaces alanine, which is neutral and non-polar, with proline, which is neutral and non-polar, at codon 3257 of the RYR1 protein (p.Ala3257Pro). This variant is not present in population databases (gnomAD no frequency). This variant has not been reported in the literature in individuals affected with RYR1-related conditions. Advanced modeling of protein sequence and biophysical properties (such as structural, functional, and spatial information, amino acid conservation, physicochemical variation, residue mobility, and thermodynamic stability) performed at Invitae indicates that this missense variant is not expected to disrupt RYR1 protein function. In summary, the available evidence is currently insufficient to determine the role of this variant in disease. Therefore, it has been classified as a Variant of Uncertain Significance.